The following is an entry in ClinVar:

NM_005055.5(RAPSN):c.439G>A (p.Glu147Lys)

Gene: RAPSN (receptor associated protein of the synapse; minus strand). Cytogenetic location: 11p11.2.
Variant type: single nucleotide variant.
Coding change: c.439G>A on transcript NM_005055.5 (MANE Select); coding-DNA position 439, G replaced by A.
Protein change: p.Glu147Lys; replaces glutamic acid 147 with lysine.
Molecular consequence: missense variant.
Genome position (GRCh38, 1-based): chr11:47,447,904, C>T on the plus strand (G>A on the coding strand, the complement: RAPSN is on the minus strand). VCF-style: chr11-47447904-C-T. GRCh37 (hg19) VCF-style: chr11-47469456-C-T.
Other names: c.439G>A, p.Glu147Lys (NM_032645.5); short protein forms E147K.
Identifiers: ClinVar variation 381702 (VCV000381702.14), dbSNP rs560525099, ClinGen allele CA5976743.

ClinVar aggregate classification (germline): Pathogenic/Likely pathogenic. Review status: criteria provided, multiple submitters, no conflicts (2 of 4 stars). 6 submissions from 6 submitters: Pathogenic (1); Likely pathogenic (5). Last evaluated 2026-08-31.

Conditions:
Fetal akinesia deformation sequence 1 (FADS1). Also called: Fetal akinesia sequence; Pena-Shokeir syndrome type I. Identifiers: Orphanet 994, MedGen C1276035, MONDO:0100101, OMIM 208150, HP:0001989.
Congenital myasthenic syndrome 11. Also called: MYASTHENIC SYNDROME, CONGENITAL, Ie; Myasthenic syndrome, congenital, 11, associated with acetylcholine receptor deficiency. Identifiers: Orphanet 590, MedGen C4225367, MONDO:0014588, OMIM 616326.
Congenital myasthenic syndrome (CMS). Also called: Congenital Myasthenic Syndromes. Identifiers: Orphanet 590, MedGen C0751882, MeSH D020294, MONDO:0018940.
Fetal akinesia deformation sequence 2. Identifiers: MedGen C4760576, MONDO:0100102, OMIM 618388.
RAPSN-related disorder. Also called: RAPSN-related disorders; RAPSN-related condition. Identifiers: MedGen CN239397.

Allele frequency attached by ClinVar (database versions not stated): gnomAD 0.00001 and 0.00002; ExAC 0.00002; TOPMed 0.00003; gnomAD exomes 0.00002; 1000 Genomes Project 30x 0.00016; 1000 Genomes Project 0.00020.
gnomAD v4.1: 54 of 1,613,192 alleles (0.0033%); highest among the groups gnomAD compares: East Asian, 0.0045%; no homozygotes.

Submissions (6):

GeneDx
Classification: Likely pathogenic. Last evaluated: 2026-08-31. Review status: criteria provided, single submitter. Criteria: GeneDx Variant Classification Process June 2021. Collection method: clinical testing. Allele origin: germline.
Comment: Observed in siblings with end-plate acetylcholine receptor deficiency who harbored a second pathogenic variant in the RAPSN gene, but it is not known whether the variants occurred on the same (in cis) or on different (in trans) chromosomes (PMID: 19620612); Published functional studies suggest that this variant impairs cargo binding and/or recruitment of cargo proteins into liquid-like assemblies (PMID: 34033754); In silico analysis suggests that this missense variant does not alter protein structure/function; Not observed at significant frequency in large population cohorts (gnomAD); This variant is associated with the following publications: (PMID: 16945936, 34139178, 22678886, 36522822, 38511267, 19620612, 36007526, 34033754)

Labcorp Genetics (formerly Invitae), Labcorp
Classification: Pathogenic for Congenital myasthenic syndrome 11; Fetal akinesia deformation sequence 1. Last evaluated: 2025-12-01. Review status: criteria provided, single submitter. Criteria: Invitae Variant Classification Sherloc (09022015). Collection method: clinical testing. Allele origin: germline.
Comment: This sequence change replaces glutamic acid, which is acidic and polar, with lysine, which is basic and polar, at codon 147 of the RAPSN protein (p.Glu147Lys). This variant is present in population databases (rs560525099, gnomAD 0.004%). This missense change has been observed in individual(s) with congenital myasthenic syndrome (PMID: 19620612). In at least one individual the data is consistent with being in trans (on the opposite chromosome) from a pathogenic variant. It has also been observed to segregate with disease in related individuals. ClinVar contains an entry for this variant (Variation ID: 381702). Invitae Evidence Modeling of protein sequence and biophysical properties (such as structural, functional, and spatial information, amino acid conservation, physicochemical variation, residue mobility, and thermodynamic stability) has been performed for this missense variant. However, the output from this modeling did not meet the statistical confidence thresholds required to predict the impact of this variant on RAPSN protein function. For these reasons, this variant has been classified as Pathogenic.

Natera, Inc.
Classification: Likely pathogenic for Congenital myasthenic syndrome. Last evaluated: 2025-09-22. Review status: criteria provided, single submitter. Criteria: Natera Variant Classification Schema (03/2026). Collection method: clinical testing. Allele origin: germline.
Comment: The c.439G>A variant in RAPSN is a missense variant predicted to cause substitution of glutamic acid to lysine at amino acid 147. This variant is rare in the general population with a frequency below the threshold expected for the associated phenotype(s). This variant has been observed in one or more individuals affected with the associated recessive disease, as either homozygous or compound heterozygous with a second variant (PMID: 19620612, 36522822). Additionally, this variant has been observed to segregate in affected family members (PMID: 19620612). Given the available evidence, this variant is classified as Likely Pathogenic.

Baylor Genetics
Classification: Likely pathogenic for Fetal akinesia deformation sequence 2. Last evaluated: 2024-02-29. Review status: criteria provided, single submitter. Criteria: ACMG Guidelines, 2015. Collection method: clinical testing. Allele origin: unknown.

Genetics and Molecular Pathology, SA Pathology
Classification: Likely pathogenic for Fetal akinesia deformation sequence 2. Last evaluated: 2022-05-09. Review status: criteria provided, single submitter. Criteria: ACMG Guidelines, 2015. Collection method: clinical testing. Allele origin: germline. Inheritance: Autosomal recessive inheritance. Affected: yes.
Comment: The RAPSN c.439G>A variant is classified as LIKELY PATHOGENIC (PS4_Moderate, PM2, PM3_supporting, PP2) The RAPSN c.439G>A variant is a single nucleotide change in exon 2/8 of the RAPSN gene, which is predicted to change the amino acid glutamic acid at position 147 in the protein to lysine. The variant has been reported in 2 probands with a clinical presentation of myasthenic syndrome (Milone et al, 2009; PMID:19620612) (PS4_Moderate). The variant is rare in population databases (gnomAD allele frequency = 0.0019%; 3 het and 0 hom in 152166 sequenced alleles) (PM2). This variant has been reported in trans with a pathogenic variant p.Asn88Lys for this recessive condition, also in PMID:19620612 (PM3_supporting). This is a missense variant in the constrained TPR4 region of the RAPSN gene and missense variants are a common mechanism of disease (PP2). Computational predictions provide conflicting interpretations of pathogenicity for this variant (PP3 and BP4 not met). The variant has been reported in dbSNP (rs560525099) and in the HGMD database: CM094598. It has been reported as Likely pathogenic by other diagnostic laboratories (ClinVar Variation ID: 381702).

Rady Children's Institute for Genomic Medicine, Rady Children's Hospital San Diego
Classification: Likely pathogenic for RAPSN-related disorders. Last evaluated: 2020-06-29. Review status: criteria provided, single submitter. Criteria: ACMG Guidelines, 2015. Collection method: clinical testing. Allele origin: germline. Affected: yes.
Comment: This variant has been previously reported together with the p.N88K in two individuals with Congenital Myasthenic Syndrome (CMS; PMID: 19620612). It is present in the heterozygous state in the gnomAD population database at a frequency of 0.002% (6/280148) and thus is presumed to be rare. The majority of utilized in silico tools support a deleterious effect of the c.439G>A (p.Glu147Lys) variant on protein function. Based on the available evidence, the c.439G>A (p.Glu147Lys) variant is classified as Likely Pathogenic.

Literature cited by the submitters: PubMed 19620612 (cited by 3 submitters); PubMed 36522822 (cited by Natera, Inc.).